The following is an entry in ClinVar:

NM_033026.6(PCLO):c.1531_1590del (p.Pro511_Pro530del)

Gene: PCLO (piccolo presynaptic cytomatrix protein; minus strand). Cytogenetic location: 7q21.11.
Variant type: Deletion.
Coding change: c.1531_1590del on transcript NM_033026.6 (MANE Select); coding-DNA positions 1531 to 1590, 60 bases deleted.
Protein change: p.Pro511_Pro530del.
Molecular consequence: inframe deletion.
Genome position (GRCh38, 1-based): chr7:83,155,051-83,155,110, 60 bases deleted. GRCh37 (hg19): chr7:82,784,396-82,784,455.
Other names: c.1531_1590del, p.Pro511_Pro530del (NM_014510.3).
Identifiers: ClinVar variation 1522283 (VCV001522283.8), dbSNP rs2116686123, ClinGen allele CA576266880.

ClinVar aggregate classification (germline): Uncertain significance (1 of 4 stars; one submission).

Submission:

Labcorp Genetics (formerly Invitae), Labcorp
Classification: Uncertain significance. Last evaluated: 2021-04-02. Review status: criteria provided, single submitter. Criteria: Invitae Variant Classification Sherloc (09022015). Collection method: clinical testing. Allele origin: germline.
Comment: This variant, c.1531_1590del, results in the deletion of 20 amino acid(s) of the PCLO protein (p.Pro511_Pro530del), but otherwise preserves the integrity of the reading frame. This variant is not present in population databases (ExAC no frequency). This variant has not been reported in the literature in individuals with PCLO-related conditions. Experimental studies and prediction algorithms are not available or were not evaluated, and the functional significance of this variant is currently unknown. In summary, the available evidence is currently insufficient to determine the role of this variant in disease. Therefore, it has been classified as a Variant of Uncertain Significance.